The following is an entry in ClinVar:

ClinVar aggregate classification (germline): Likely benign (0 of 4 stars; one submission).

Conditions:
HLA-DRB1-related disorder. Also called: HLA-DRB1-related condition.

Submission:

PreventionGenetics, part of Exact Sciences
Classification: Likely benign for HLA-DRB1-related condition. Last evaluated: 2020-12-17. Review status: no assertion criteria provided. Collection method: clinical testing. Allele origin: germline.
Comment: This variant is classified as likely benign based on ACMG/AMP sequence variant interpretation guidelines (Richards et al. 2015 PMID: 25741868, with internal and published modifications).

NM_002124.4(HLA-DRB1):c.118_119insT (p.Pro40fs)

Gene: HLA-DRB1 (major histocompatibility complex, class II, DR beta 1; minus strand). Cytogenetic location: 6p21.32.
Variant type: Insertion.
Coding change: c.118_119insT on transcript NM_002124.4 (MANE Select); coding-DNA positions 118 to 119, T inserted.
Protein change: p.Pro40fs; shifts the reading frame from proline 40.
Molecular consequence: frameshift variant.
Genome position: GRCh38 VCF-style: chr6-32584360-G-GA. GRCh37 (hg19) VCF-style: chr6-32552137-G-GA.
Other names: short protein forms P40fs.
Identifiers: ClinVar variation 3059269 (VCV003059269.2), dbSNP rs769779152, ClinGen allele CA3743411.